The following is an entry in ClinVar:

NM_012330.4(KAT6B):c.147A>G (p.Glu49=)

Gene: KAT6B (lysine acetyltransferase 6B; plus strand). Cytogenetic location: 10q22.2.
Variant type: single nucleotide variant.
Coding change: c.147A>G on transcript NM_012330.4 (MANE Select); coding-DNA position 147, A replaced by G.
Protein change: p.Glu49=; no amino-acid change (glutamic acid 49 retained).
Molecular consequence: synonymous variant. On other transcripts: 5 prime UTR variant (2).
Genome position (GRCh38, 1-based): chr10:74,843,004, A>G. VCF-style: chr10-74843004-A-G. GRCh37 (hg19) VCF-style: chr10-76602762-A-G.
Other names: c.147A>G, p.Glu49= (NM_001256468.2, NM_001256469.2, NM_001370132.1 and 10 more transcripts); c.-392A>G (NM_001370134.1, NM_001370135.1).
Identifiers: ClinVar variation 1204057 (VCV001204057.14), dbSNP rs1041827351, ClinGen allele CA209908696.
Genomic context (GRCh38, chr10:74,843,004, plus strand): 5'-AGAGAGAATCTGCCATGCGGTCAGTACTTCCCATGGGTTGGATAAGAAGACAGTCTCTGA[A>G]CAGCTGGAACTCAGTGTTCAGGATGGCTCAGTTCTCAAAGTCACCAACAAAGGCCTTGCC-3'
Protein context (NP_036462.2, residues 39-59): SHGLDKKTVS[Glu49=]QLELSVQDGS

ClinVar aggregate classification (germline): Likely benign. Review status: criteria provided, multiple submitters, no conflicts (2 of 4 stars). 4 submissions from 4 submitters: Likely benign (4). Last evaluated 2026-06-01.

Conditions:
Genitopatellar syndrome (GTPTS). Also called: Genitopatellar syndrome (GPS); ABSENT PATELLAE, SCROTAL HYPOPLASIA, RENAL ANOMALIES, FACIAL DYSMORPHISM, AND MENTAL RETARDATION. Identifiers: Orphanet 85201, MedGen C1853566, MONDO:0011640, OMIM 606170.
Blepharophimosis - intellectual disability syndrome, SBBYS type (SBBYSS). Also called: Say-Barber-Biesecker variant of Ohdo syndrome (SBBYSS); Say-Barber-Biesecker-Young-Simpson variant of Ohdo Syndrome; Say-Barber-Biesecker Variant of Ohdo Syndrome; Young Simpson syndrome; Mental retardation unusual facies hypothyroidism; Ohdo syndrome, SBBYS variant. Identifiers: Orphanet 3047, MedGen C1863557, MONDO:0011365, OMIM 603736.

Allele frequency attached by ClinVar (database versions not stated): gnomAD exomes below 0.00001 and 0.00001; gnomAD 0.00007 and 0.00009; TOPMed 0.00011.
gnomAD v4.1: 14 of 1,614,062 alleles (0.00087%); highest among the groups gnomAD compares: Admixed American, 0.018%; no homozygotes.

Submissions (4):

CeGaT Center for Human Genetics Tuebingen
Classification: Likely benign. Last evaluated: 2026-06-01. Review status: criteria provided, single submitter. Criteria: CeGaT Center For Human Genetics Tuebingen Variant Classification Criteria Version 2. Collection method: clinical testing. Allele origin: germline. Affected: yes. Observed: 1 variant allele.
Comment: KAT6B: BP4, BP7

Labcorp Genetics (formerly Invitae), Labcorp
Classification: Likely benign for Genitopatellar syndrome. Last evaluated: 2025-11-03. Review status: criteria provided, single submitter. Criteria: Invitae Variant Classification Sherloc (09022015). Collection method: clinical testing. Allele origin: germline.

Fulgent Genetics
Classification: Likely benign for Blepharophimosis - intellectual disability syndrome, SBBYS type; Genitopatellar syndrome. Last evaluated: 2022-01-10. Review status: criteria provided, single submitter. Criteria: ACMG Guidelines, 2015. Collection method: clinical testing. Allele origin: unknown.

GeneDx
Classification: Likely benign. Last evaluated: 2020-10-26. Review status: criteria provided, single submitter. Criteria: GeneDx Variant Classification Process June 2021. Collection method: clinical testing. Allele origin: germline. Affected: yes.